The following is an entry in ClinVar:

NM_020702.5(MYORG):c.453G>T (p.Arg151=)

Gene: MYORG (myogenesis regulating glycosidase; minus strand). Cytogenetic location: 9p13.3.
Variant type: single nucleotide variant.
Coding change: c.453G>T on transcript NM_020702.5 (MANE Select); coding-DNA position 453, G replaced by T.
Protein change: p.Arg151=; no amino-acid change (arginine 151 retained).
Molecular consequence: synonymous variant.
Genome position (GRCh38, 1-based): chr9:34,372,491, C>A on the plus strand (G>T on the coding strand, the complement: MYORG is on the minus strand). VCF-style: chr9-34372491-C-A. GRCh37 (hg19) VCF-style: chr9-34372489-C-A.
Identifiers: ClinVar variation 3050845 (VCV003050845.2), dbSNP rs868737587, ClinGen allele CA192626804.

ClinVar aggregate classification (germline): Likely benign (0 of 4 stars; one submission).

Conditions:
MYORG-related disorder. Also called: MYORG-related condition.

Allele frequency attached by ClinVar (database versions not stated): gnomAD 0.00001; TOPMed 0.00003.

Submission:

PreventionGenetics, part of Exact Sciences
Classification: Likely benign for MYORG-related condition. Last evaluated: 2019-07-10. Review status: no assertion criteria provided. Collection method: clinical testing. Allele origin: germline.
Comment: This variant is classified as likely benign based on ACMG/AMP sequence variant interpretation guidelines (Richards et al. 2015 PMID: 25741868, with internal and published modifications).